The following is an entry in ClinVar:

ClinVar aggregate classification (germline): Conflicting classifications of pathogenicity. Review status: criteria provided, conflicting classifications (1 of 4 stars). 4 submissions from 4 submitters: Uncertain significance (3); Likely benign (1). Last evaluated 2025-08-11.

Conditions:
Arrhythmogenic cardiomyopathy with wooly hair and keratoderma. Also called: Dilated cardiomyopathy with woolly hair and keratoderma; PALMOPLANTAR KERATODERMA WITH LEFT VENTRICULAR CARDIOMYOPATHY AND WOOLLY HAIR; Arrhythmogenic cardiomyopathy with woolly hair and keratoderma; Carvajal syndrome. Identifiers: Orphanet 65282, MedGen C1854063, MONDO:0011581, OMIM 605676.
Arrhythmogenic right ventricular dysplasia 8 (ARVD8). Also called: ARRHYTHMOGENIC RIGHT VENTRICULAR DYSPLASIA, FAMILIAL, 8; ARRHYTHMOGENIC RIGHT VENTRICULAR CARDIOMYOPATHY 8; Arrhythmogenic Right Ventricular Dysplasia/Cardiomyopathy 8. Identifiers: MedGen C1843896, MONDO:0011831, OMIM 607450.
Cardiomyopathy (CMYO). Also called: Cardiomyopathies. Identifiers: Orphanet 167848, MedGen C0878544, MONDO:0004994, HP:0001638. Inheritance: Various modes of inheritance.

Allele frequency attached by ClinVar (database versions not stated): ExAC 0.00001; gnomAD 0.00001; gnomAD exomes 0.00002; TOPMed 0.00002.
gnomAD v4.1: 29 of 1,613,668 alleles (0.0018%); highest among the groups gnomAD compares: South Asian, 0.0044%; no homozygotes.

Submissions (4):

Color Diagnostics, LLC DBA Color Health
Classification: Uncertain significance for Cardiomyopathy. Last evaluated: 2025-08-11. Review status: criteria provided, single submitter. Criteria: ACMG Guidelines, 2015. Collection method: clinical testing. Allele origin: germline.
Comment: This missense variant replaces isoleucine with threonine at codon 1483 of the DSP protein. Computational prediction suggests that this variant may not impact protein structure and function. To our knowledge, functional studies have not been reported for this variant. This variant has not been reported in individuals affected with DSP-related disorders in the literature. This variant has been identified in 4/250196 chromosomes in the general population by the Genome Aggregation Database (gnomAD). The available evidence is insufficient to determine the role of this variant in disease conclusively. Therefore, this variant is classified as a Variant of Uncertain Significance.

Labcorp Genetics (formerly Invitae), Labcorp
Classification: Likely benign for Arrhythmogenic cardiomyopathy with wooly hair and keratoderma; Arrhythmogenic right ventricular dysplasia 8. Last evaluated: 2025-04-20. Review status: criteria provided, single submitter. Criteria: Invitae Variant Classification Sherloc (09022015). Collection method: clinical testing. Allele origin: germline.

All of Us Research Program, National Institutes of Health
Classification: Uncertain significance for Arrhythmogenic cardiomyopathy with wooly hair and keratoderma. Last evaluated: 2023-08-15. Review status: criteria provided, single submitter. Criteria: ACMG Guidelines, 2015. Collection method: clinical testing. Allele origin: germline. Inheritance: Autosomal dominant inheritance. Observed: 3 variant alleles, 3 heterozygotes.
Comment: This missense variant replaces isoleucine with threonine at codon 1483 of the DSP protein. Computational prediction suggests that this variant may not impact protein structure and function (internally defined REVEL score threshold <= 0.5, PMID: 27666373). To our knowledge, functional studies have not been reported for this variant. This variant has not been reported in individuals affected with cardiovascular disorders in the literature. This variant has been identified in 4/250196 chromosomes in the general population by the Genome Aggregation Database (gnomAD). The available evidence is insufficient to determine the role of this variant in disease conclusively. Therefore, this variant is classified as a Variant of Uncertain Significance.

This study involves interpretation of variants in research participants for the purpose of population health screening. Participant phenotype was not available at the time of variant classification. Additional details can be found in publication PMID: 35346344, PMCID: PMC8962531

CeGaT Center for Human Genetics Tuebingen
Classification: Uncertain significance. Last evaluated: 2019-02-01. Review status: criteria provided, single submitter. Criteria: CeGaT Center For Human Genetics Tuebingen Variant Classification Criteria Version 2. Collection method: clinical testing. Allele origin: germline. Affected: yes. Observed: 1 variant allele.

NM_004415.4(DSP):c.4448T>C (p.Ile1483Thr)

Gene: DSP (desmoplakin; plus strand). Cytogenetic location: 6p24.3.
Variant type: single nucleotide variant.
Coding change: c.4448T>C on transcript NM_004415.4 (MANE Select); coding-DNA position 4448, T replaced by C.
Protein change: p.Ile1483Thr; replaces isoleucine 1483 with threonine.
Molecular consequence: missense variant. On other transcripts: intron variant (2).
Genome position (GRCh38, 1-based): chr6:7,580,638, T>C. VCF-style: chr6-7580638-T-C. GRCh37 (hg19) VCF-style: chr6-7580871-T-C.
Other names: c.4050+398T>C (NM_001319034.2); c.3582+866T>C (NM_001008844.3); short protein forms I1483T.
Identifiers: ClinVar variation 809868 (VCV000809868.51), dbSNP rs745872344, ClinGen allele CA041553.